The following is an entry in ClinVar:

NM_001242896.3(DEPDC5):c.3014T>A (p.Met1005Lys)

Gene: DEPDC5 (DEP domain containing 5, GATOR1 subcomplex subunit; plus strand). Cytogenetic location: 22q12.3.
Variant type: single nucleotide variant.
Coding change: c.3014T>A on transcript NM_001242896.3 (MANE Select); coding-DNA position 3014, T replaced by A.
Protein change: p.Met1005Lys; replaces methionine 1005 with lysine.
Molecular consequence: missense variant. On other transcripts: non-coding transcript variant (5).
Genome position (GRCh38, 1-based): chr22:31,845,230, T>A. VCF-style: chr22-31845230-T-A. GRCh37 (hg19) VCF-style: chr22-32241216-T-A.
Other names: c.2987T>A, p.Met996Lys (NM_001136029.4, NM_001369903.1, NM_014662.6); c.2780T>A, p.Met927Lys (NM_001242897.2, NM_001363854.2, NM_001364319.2); c.3014T>A, p.Met1005Lys (NM_001363852.2, NM_001364318.2, NM_001364320.2); c.2930T>A, p.Met977Lys (NM_001369901.1, NM_001369902.1); short protein forms M1005K, M927K, M977K, M996K.
Identifiers: ClinVar variation 568881 (VCV000568881.9), dbSNP rs778753730, ClinGen allele CA10196845.

ClinVar aggregate classification (germline): Uncertain significance (1 of 4 stars; one submission).

Conditions:
Familial focal epilepsy with variable foci (FPEVF). Identifiers: Orphanet 98820, MedGen C1858477, MONDO:0020310.

Allele frequency attached by ClinVar (database versions not stated): gnomAD 0.00003; gnomAD exomes 0.00005 and 0.00010; TOPMed 0.00005; ExAC 0.00012.

Submission:

Labcorp Genetics (formerly Invitae), Labcorp
Classification: Uncertain significance for Familial focal epilepsy with variable foci. Last evaluated: 2025-08-21. Review status: criteria provided, single submitter. Criteria: Invitae Variant Classification Sherloc (09022015). Collection method: clinical testing. Allele origin: germline.
Comment: This sequence change replaces methionine, which is neutral and non-polar, with lysine, which is basic and polar, at codon 1005 of the DEPDC5 protein (p.Met1005Lys). This variant is present in population databases (rs778753730, gnomAD 0.07%). This variant has not been reported in the literature in individuals affected with DEPDC5-related conditions. ClinVar contains an entry for this variant (Variation ID: 568881). Experimental studies and prediction algorithms are not available or were not evaluated, and the functional significance of this variant is currently unknown. In summary, the available evidence is currently insufficient to determine the role of this variant in disease. Therefore, it has been classified as a Variant of Uncertain Significance.